The following is an entry in ClinVar:

NM_006231.4(POLE):c.6602T>A (p.Met2201Lys)

Gene: POLE (DNA polymerase epsilon, catalytic subunit; minus strand). Cytogenetic location: 12q24.33.
Variant type: single nucleotide variant.
Coding change: c.6602T>A on transcript NM_006231.4 (MANE Select); coding-DNA position 6602, T replaced by A.
Protein change: p.Met2201Lys; replaces methionine 2201 with lysine.
Molecular consequence: missense variant.
Genome position (GRCh38, 1-based): chr12:132,625,700, A>T on the plus strand (T>A on the coding strand, the complement: POLE is on the minus strand). VCF-style: chr12-132625700-A-T. GRCh37 (hg19) VCF-style: chr12-133202286-A-T.
Other names: short protein forms M2201K.
Identifiers: ClinVar variation 1484227 (VCV001484227.8), dbSNP rs2138427817, ClinGen allele CA387366626.

ClinVar aggregate classification (germline): Uncertain significance (1 of 4 stars; one submission).

Submission:

Labcorp Genetics (formerly Invitae), Labcorp
Classification: Uncertain significance. Last evaluated: 2020-11-14. Review status: criteria provided, single submitter. Criteria: Invitae Variant Classification Sherloc (09022015). Collection method: clinical testing. Allele origin: germline.
Comment: In summary, the available evidence is currently insufficient to determine the role of this variant in disease. Therefore, it has been classified as a Variant of Uncertain Significance. Algorithms developed to predict the effect of missense changes on protein structure and function (SIFT, PolyPhen-2, Align-GVGD) all suggest that this variant is likely to be tolerated, but these predictions have not been confirmed by published functional studies and their clinical significance is uncertain. This variant has not been reported in the literature in individuals with POLE-related conditions. This variant is not present in population databases (ExAC no frequency). This sequence change replaces methionine with lysine at codon 2201 of the POLE protein (p.Met2201Lys). The methionine residue is moderately conserved and there is a moderate physicochemical difference between methionine and lysine.